The following is an entry in ClinVar:

ClinVar aggregate classification (germline): Uncertain significance (1 of 4 stars; one submission).

Conditions:
Hereditary cancer-predisposing syndrome. Also called: Neoplastic Syndromes, Hereditary; Tumor predisposition; Hereditary Cancer Syndrome; Hereditary neoplastic syndrome. Identifiers: Orphanet 140162, MedGen C0027672, MeSH D009386, MONDO:0015356.

Submission:

Ambry Genetics
Classification: Uncertain significance for Hereditary cancer-predisposing syndrome. Last evaluated: 2026-03-26. Review status: criteria provided, single submitter. Criteria: Ambry Variant Classification Scheme 2023. Collection method: clinical testing. Allele origin: germline.
Comment: The p.G1053C variant (also known as c.3157G>T), located in coding exon 22 of the PDGFRA gene, results from a G to T substitution at nucleotide position 3157. The glycine at codon 1053 is replaced by cysteine, an amino acid with highly dissimilar properties. This amino acid position is conserved. In addition, the in silico prediction for this alteration is inconclusive. Based on the available evidence, the clinical significance of this variant remains unclear.

NM_006206.6(PDGFRA):c.3157G>T (p.Gly1053Cys)

Gene: PDGFRA (platelet derived growth factor receptor alpha; plus strand). Cytogenetic location: 4q12.
Variant type: single nucleotide variant.
Coding change: c.3157G>T on transcript NM_006206.6 (MANE Select); coding-DNA position 3157, G replaced by T.
Protein change: p.Gly1053Cys; replaces glycine 1053 with cysteine.
Molecular consequence: missense variant.
Genome position (GRCh38, 1-based): chr4:54,295,159, G>T. VCF-style: chr4-54295159-G-T. GRCh37 (hg19) VCF-style: chr4-55161326-G-T.
Other names: c.3157G>T, p.Gly1053Cys (NM_001347829.2); c.3196G>T, p.Gly1066Cys (NM_001347830.2); c.3232G>T, p.Gly1078Cys (NM_001347828.2); short protein forms G1053C, G1066C, G1078C.
Identifiers: ClinVar variation 4861724 (VCV004861724.1).